The following is an entry in ClinVar:

NM_006995.5(BTN2A2):c.627A>G (p.Thr209=)

Gene: BTN2A2 (butyrophilin subfamily 2 member A2; plus strand). Cytogenetic location: 6p22.2.
Variant type: single nucleotide variant.
Coding change: c.627A>G on transcript NM_006995.5 (MANE Select); coding-DNA position 627, A replaced by G.
Protein change: p.Thr209=; no amino-acid change (threonine 209 retained).
Molecular consequence: synonymous variant. On other transcripts: intron variant (2).
Genome position (GRCh38, 1-based): chr6:26,388,197, A>G. VCF-style: chr6-26388197-A-G. GRCh37 (hg19) VCF-style: chr6-26388425-A-G.
Other names: c.627A>G, p.Thr209= (NM_001197237.2, NM_001197238.2); c.279A>G, p.Thr93= (NM_181531.3); c.443-1808A>G (NM_001197240.2); c.95-1808A>G (NM_001197239.2).
Identifiers: ClinVar variation 3052058 (VCV003052058.2), dbSNP rs370196656, ClinGen allele CA3672448.

ClinVar aggregate classification (germline): Likely benign (0 of 4 stars; one submission).

Conditions:
BTN2A2-related disorder. Also called: BTN2A2-related condition.

Allele frequency attached by ClinVar (database versions not stated): gnomAD 0.00003; TOPMed 0.00004; ExAC 0.00007; ESP Exome Variant Server 0.00008; gnomAD exomes 0.00009.
gnomAD v4.1: 133 of 1,614,074 alleles (0.0082%); highest among the groups gnomAD compares: Non-Finnish European, 0.0098%; no homozygotes.

Submission:

PreventionGenetics, part of Exact Sciences
Classification: Likely benign for BTN2A2-related condition. Last evaluated: 2020-01-08. Review status: no assertion criteria provided. Collection method: clinical testing. Allele origin: germline.
Comment: This variant is classified as likely benign based on ACMG/AMP sequence variant interpretation guidelines (Richards et al. 2015 PMID: 25741868, with internal and published modifications).